The following is an entry in ClinVar:

NM_000089.4(COL1A2):c.595-224C>G

Gene: COL1A2 (collagen type I alpha 2 chain; plus strand). Cytogenetic location: 7q21.3.
Variant type: single nucleotide variant.
Coding change: c.595-224C>G on transcript NM_000089.4 (MANE Select); 224 bases into the intron before coding-DNA position 595, C replaced by G.
Molecular consequence: intron variant.
Genome position (GRCh38, 1-based): chr7:94,407,623, C>G. VCF-style: chr7-94407623-C-G. GRCh37 (hg19) VCF-style: chr7-94036935-C-G.
Identifiers: ClinVar variation 678673 (VCV000678673.1), dbSNP rs182596261, ClinGen allele CA162917199.
Genomic context (GRCh38, chr7:94,407,623, plus strand): 5'-GTATATAATTGATATCCTGAATCTAAGGGAGAAATTGGGGAGGAGGTACACTCAAATAAC[C>G]ACATCTCCTTAGAACCTGGATATGTGGTACTATCTGAATAAAAACTCATGTTAGCACATT-3'

ClinVar aggregate classification (germline): Likely benign (1 of 4 stars; one submission).

Allele frequency attached by ClinVar (database versions not stated): 1000 Genomes Project 0.00300; 1000 Genomes Project 30x 0.00375; gnomAD 0.00803 and 0.00843; TOPMed 0.00831.
gnomAD v4.1: 1,245 of 152,180 alleles (0.82%); highest among the groups gnomAD compares: Non-Finnish European, 1.3%; 4 homozygotes.

Submission:

GeneDx
Classification: Likely benign. Last evaluated: 2018-06-16. Review status: criteria provided, single submitter. Criteria: GeneDx Variant Classification (06012015). Collection method: clinical testing. Allele origin: germline. Affected: yes.
Comment: This variant is considered likely benign or benign based on one or more of the following criteria: it is a conservative change, it occurs at a poorly conserved position in the protein, it is predicted to be benign by multiple in silico algorithms, and/or has population frequency not consistent with disease.